The following is an entry in ClinVar:

ClinVar aggregate classification (germline): Pathogenic (1 of 4 stars; one submission).

Conditions:
Methylmalonic aciduria due to methylmalonyl-CoA mutase deficiency (MAMM). Also called: Methylmalonic aciduria, mut type. Identifiers: Orphanet 27, MedGen C1855114, MONDO:0009612, OMIM 251000.

Submission:

Myriad Genetics, Inc.
Classification: Pathogenic for Methylmalonic aciduria due to methylmalonyl-CoA mutase deficiency. Last evaluated: 2023-09-27. Review status: criteria provided, single submitter. Criteria: Myriad Autosomal Dominant, Autosomal Recessive and X-Linked Classification Criteria (2023). Collection method: clinical testing. Allele origin: unknown.
Comment: NM_000255.3(MMUT):c.1868dupG(Q624Tfs*5) is expected to be pathogenic in the context of methylmalonic acidemia, MMUT-related. This variant is predicted to lead to an abnormal or absent protein product due to the creation of a premature termination codon in MMUT, a gene where loss-of-function variants are known to be pathogenic. Please note: this variant was assessed in the context of healthy population screening.

NM_000255.4(MMUT):c.1868dup (p.Gln624fs)

Gene: MMUT (methylmalonyl-CoA mutase; minus strand). Cytogenetic location: 6p12.3.
Variant type: Duplication.
Coding change: c.1868dup on transcript NM_000255.4 (MANE Select); coding-DNA position 1868, one base duplicated (G; older notation c.1868dupG).
Protein change: p.Gln624fs; shifts the reading frame from glutamine 624.
Molecular consequence: frameshift variant.
Genome position (GRCh38, 1-based): chr6:49,440,294, C duplicated on the plus strand (G on the coding strand, the reverse complement: MMUT is on the minus strand); the first of 3 consecutive C bases (chr6:49,440,294-49,440,296); duplicating any one gives the same sequence. VCF-style (leftmost placement, unchanged base first): chr6-49440293-T-TC. GRCh37 (hg19) VCF-style: chr6-49408006-T-TC.
Other names: short protein forms Q624fs.
Identifiers: ClinVar variation 5012314 (VCV005012314.1).
Genomic context (GRCh38, chr6:49,440,293, plus strand): 5'-AAAACCAAGATCAGCAAATCCTGTAGCAATAACTTTTGCTCCTCTGTCATGGCCATCTTG[T>TC]CCCATTTTTGCTACAAGAAGACGAGGTCTGCGACCTTCACGTTCCATGAATTTATGAACC-3'